The following is an entry in ClinVar:

ClinVar aggregate classification (germline): Pathogenic. Review status: criteria provided, multiple submitters, no conflicts (2 of 4 stars). 9 submissions from 9 submitters: Pathogenic (9). Last evaluated 2025-09-26.

Conditions:
PALB2-related disorder. Also called: PALB2-related condition; PALB2-related disorders.
Breast-ovarian cancer, familial, susceptibility to, 5 (BROVCA5). Identifiers: MedGen C5830615, MONDO:0957530, OMIM 620442.
Hereditary cancer-predisposing syndrome. Also called: Tumor predisposition; Neoplastic Syndromes, Hereditary; Hereditary neoplastic syndrome; Hereditary Cancer Syndrome. Identifiers: Orphanet 140162, MedGen C0027672, MeSH D009386, MONDO:0015356.
Familial cancer of breast. Also called: BREAST CANCER, FAMILIAL; hereditary breast carcinoma; Hereditary breast cancer. Identifiers: Orphanet 227535, MedGen C0346153, MONDO:0016419, OMIM 114480. Disease mechanism: loss of function.

Submissions (9):

Ambry Genetics
Classification: Pathogenic for Hereditary cancer-predisposing syndrome. Last evaluated: 2025-09-26. Review status: criteria provided, single submitter. Criteria: Ambry Variant Classification Scheme 2023. Collection method: clinical testing. Allele origin: germline.
Comment: The c.1291_1292delAG pathogenic mutation, located in coding exon 4 of the PALB2 gene, results from a deletion of two nucleotides at nucleotide positions 1291 to 1292, causing a translational frameshift with a predicted alternate stop codon (p.H432Ffs*9).This alteration is expected to result in loss of function by premature protein truncation or nonsense-mediated mRNA decay. As such, this alteration is interpreted as a disease-causing mutation.

Institute of Human Genetics, University of Leipzig Medical Center
Classification: Pathogenic for Breast-ovarian cancer, familial, susceptibility to, 5. Last evaluated: 2025-04-01. Review status: criteria provided, single submitter. Criteria: ACMG Guidelines, 2015. Collection method: clinical testing. Allele origin: maternal. Inheritance: Autosomal dominant inheritance. Affected: yes.
Comment: Criteria applied: PVS1,PM2_SUP,PM5_SUP

Laboratory of Genetics, Children's Clinical University Hospital Latvia
Classification: Pathogenic. Last evaluated: 2025-02-16. Review status: criteria provided, single submitter. Criteria: ACMG Guidelines, 2015. Collection method: clinical testing. Allele origin: germline. Affected: yes.

Labcorp Genetics (formerly Invitae), Labcorp
Classification: Pathogenic for Familial cancer of breast. Last evaluated: 2024-01-02. Review status: criteria provided, single submitter. Criteria: Invitae Variant Classification Sherloc (09022015). Collection method: clinical testing. Allele origin: germline.
Comment: This sequence change creates a premature translational stop signal (p.His432Phefs*9) in the PALB2 gene. It is expected to result in an absent or disrupted protein product. Loss-of-function variants in PALB2 are known to be pathogenic (PMID: 17200668, 17200671, 17200672, 24136930, 25099575). This variant is not present in population databases (gnomAD no frequency). This premature translational stop signal has been observed in individual(s) with head and neck squamous cell carcinoma (PMID: 28678401). This variant is also known as c.1289_1290del. ClinVar contains an entry for this variant (Variation ID: 186577). For these reasons, this variant has been classified as Pathogenic.

Myriad Genetics, Inc.
Classification: Pathogenic for Familial cancer of breast. Last evaluated: 2023-09-08. Review status: criteria provided, single submitter. Criteria: Myriad Autosomal Dominant, Autosomal Recessive and X-Linked Classification Criteria (2023). Collection method: clinical testing. Allele origin: unknown.
Comment: This variant is considered pathogenic. This variant creates a frameshift predicted to result in premature protein truncation.

Blueprint Genetics
Classification: Pathogenic for PALB2-related disorders. Last evaluated: 2023-02-15. Review status: criteria provided, single submitter. Criteria: ACMG Guidelines, 2015. Collection method: clinical testing. Allele origin: germline. Affected: yes. Observed: 1 variant allele.

Color Diagnostics, LLC DBA Color Health
Classification: Pathogenic for Hereditary cancer-predisposing syndrome. Last evaluated: 2021-09-21. Review status: criteria provided, single submitter. Criteria: ACMG Guidelines, 2015. Collection method: clinical testing. Allele origin: germline.
Comment: This variant deletes 2 nucleotides in exon 4 of the PALB2 gene, creating a frameshift and premature translation stop signal. This variant is expected to result in an absent or non-functional protein product. To our knowledge, this variant has not been reported in individuals affected with hereditary cancer in the literature. This variant has not been identified in the general population by the Genome Aggregation Database (gnomAD). Loss of PALB2 function is a known mechanism of disease. Based on the available evidence, this variant is classified as Pathogenic.

Quest Diagnostics Nichols Institute San Juan Capistrano
Classification: Pathogenic. Last evaluated: 2020-08-09. Review status: criteria provided, single submitter. Criteria: Quest Diagnostics criteria. Collection method: clinical testing. Allele origin: unknown.
Comment: The variant results in a shift of the reading frame, and is therefore predicted to result in the loss of a functional protein. Found in at least one patient with expected phenotype for this gene, and not found in general population data.

GeneDx
Classification: Pathogenic. Last evaluated: 2018-11-08. Review status: criteria provided, single submitter. Criteria: GeneDx Variant Classification (06012015). Collection method: clinical testing. Allele origin: germline. Affected: yes.
Comment: This deletion of two nucleotides in PALB2 is denoted c.1291_1292delAG at the cDNA level and p.His432PhefsX9 (H432FfsX9) at the protein level. The normal sequence, with the bases that are deleted in brackets, is TCAG[delAG]TCAT. The deletion causes a frameshift which changes a Histidine to a Phenylalanine at codon 432, and creates a premature stop codon at position 9 of the new reading frame. This variant is predicted to cause loss of normal protein function through either protein truncation or nonsense-mediated mRNA decay. PALB2 c.1291_1292delAG, also reported as c.1289_1290del using alternate nomenclature, has been reported as a germline variant in at least one individual with a head and neck cancer (Chandrasekharappa 2017). We consider this variant to be pathogenic.

Literature cited by the submitters: PubMed 17200668 (cited by Labcorp Genetics (formerly Invitae), Labcorp); PubMed 17200671 (cited by Labcorp Genetics (formerly Invitae), Labcorp); PubMed 17200672 (cited by Labcorp Genetics (formerly Invitae), Labcorp); PubMed 24136930 (cited by Labcorp Genetics (formerly Invitae), Labcorp); PubMed 25099575 (cited by Labcorp Genetics (formerly Invitae), Labcorp); PubMed 28678401 (cited by Labcorp Genetics (formerly Invitae), Labcorp and Quest Diagnostics Nichols Institute San Juan Capistrano).

NM_024675.4(PALB2):c.1291_1292del (p.His432fs)

Gene: PALB2 (partner and localizer of BRCA2; minus strand). Cytogenetic location: 16p12.2.
Variant type: Microsatellite.
Coding change: c.1291_1292del on transcript NM_024675.4 (MANE Select); coding-DNA positions 1291 to 1292, 2 bases deleted (AG; older notation c.1291_1292delAG).
Protein change: p.His432fs; shifts the reading frame from histidine 432.
Molecular consequence: frameshift variant.
Genome position (GRCh38, 1-based): chr16:23,635,254-23,635,255, CT deleted on the plus strand (AG on the coding strand, the reverse complement: PALB2 is on the minus strand); deleting any 2 consecutive bases within chr16:23,635,254-23,635,257 gives the same sequence; the c. name uses the placement nearest the transcript's 3' end. VCF-style (leftmost placement, unchanged base first): chr16-23635253-ACT-A. GRCh37 (hg19) VCF-style: chr16-23646574-ACT-A.
Other names: c.1291_1292delAG (NM_024675.3); short protein forms H432fs.
Identifiers: ClinVar variation 186577 (VCV000186577.24), dbSNP rs786203057, ClinGen allele CA195215.
Genomic context (GRCh38, chr16:23,635,253, plus strand): 5'-TAAATTTTTACTTGCATCCTTATTTTTATTTTTAAACCCTTTTTTCTTGACATCCAAATG[ACT>A]CTGAATGACAGCCTCCACGGCTACTTTCCTCTGGCAATTGGACATGCTTCGTGTTGTTCT-3'